The following is an entry in ClinVar:

NM_001453.3(FOXC1):c.608C>T (p.Pro203Leu)

Gene: FOXC1 (forkhead box C1; plus strand). Cytogenetic location: 6p25.3.
Variant type: single nucleotide variant.
Coding change: c.608C>T on transcript NM_001453.3 (MANE Select); coding-DNA position 608, C replaced by T.
Protein change: p.Pro203Leu; replaces proline 203 with leucine.
Molecular consequence: missense variant.
Genome position (GRCh38, 1-based): chr6:1,611,053, C>T. VCF-style: chr6-1611053-C-T. GRCh37 (hg19) VCF-style: chr6-1611288-C-T.
Other names: short protein forms P203L.
Identifiers: ClinVar variation 1930821 (VCV001930821.5), dbSNP rs2480503573, ClinGen allele CA362559191.

ClinVar aggregate classification (germline): Uncertain significance (1 of 4 stars; one submission).

Conditions:
Axenfeld-Rieger syndrome type 3 (RIEG3). Also called: AXENFELD-RIEGER ANOMALY WITH CARDIAC DEFECTS AND/OR SENSORINEURAL HEARING LOSS. Identifiers: Orphanet 782, MedGen C2678503, MONDO:0011233, OMIM 602482.

Allele frequency attached by ClinVar (database versions not stated): gnomAD exomes below 0.00001.
gnomAD v4.1: 2 of 1,510,532 alleles (0.00013%); highest among the groups gnomAD compares: Non-Finnish European, 0.00018%; no homozygotes.

Submission:

Labcorp Genetics (formerly Invitae), Labcorp
Classification: Uncertain significance for Axenfeld-Rieger syndrome type 3. Last evaluated: 2025-03-17. Review status: criteria provided, single submitter. Criteria: Invitae Variant Classification Sherloc (09022015). Collection method: clinical testing. Allele origin: germline.
Comment: This sequence change replaces proline, which is neutral and non-polar, with leucine, which is neutral and non-polar, at codon 203 of the FOXC1 protein (p.Pro203Leu). This variant is not present in population databases (gnomAD no frequency). This variant has not been reported in the literature in individuals affected with FOXC1-related conditions. ClinVar contains an entry for this variant (Variation ID: 1930821). An algorithm developed to predict the effect of missense changes on protein structure and function (PolyPhen-2) suggests that this variant is likely to be tolerated. In summary, the available evidence is currently insufficient to determine the role of this variant in disease. Therefore, it has been classified as a Variant of Uncertain Significance.